The following is an entry in ClinVar:

ClinVar aggregate classification (germline): Uncertain significance (1 of 4 stars; one submission).

Conditions:
Carnitine palmitoyl transferase 1A deficiency. Also called: CPT deficiency, hepatic, type IA; CPT I DEFICIENCY; CPT DEFICIENCY, HEPATIC, TYPE I; Carnitine palmitoyltransferase type I deficiency; Carnitine palmitoyltransferase 1A deficiency. Identifiers: Orphanet 156, MedGen C1829703, MONDO:0009705, OMIM 255120.

Submission:

Labcorp Genetics (formerly Invitae), Labcorp
Classification: Uncertain significance for Carnitine palmitoyl transferase 1A deficiency. Last evaluated: 2022-09-19. Review status: criteria provided, single submitter. Criteria: Invitae Variant Classification Sherloc (09022015). Collection method: clinical testing. Allele origin: germline.
Comment: In summary, the available evidence is currently insufficient to determine the role of this variant in disease. Therefore, it has been classified as a Variant of Uncertain Significance. Advanced modeling of protein sequence and biophysical properties (such as structural, functional, and spatial information, amino acid conservation, physicochemical variation, residue mobility, and thermodynamic stability) performed at Invitae indicates that this missense variant is not expected to disrupt CPT1A protein function. ClinVar contains an entry for this variant (Variation ID: 1445595). This variant has not been reported in the literature in individuals affected with CPT1A-related conditions. This variant is not present in population databases (gnomAD no frequency). This sequence change replaces glutamic acid, which is acidic and polar, with lysine, which is basic and polar, at codon 638 of the CPT1A protein (p.Glu638Lys).

NM_001876.4(CPT1A):c.1912G>A (p.Glu638Lys)

Gene: CPT1A (carnitine palmitoyltransferase 1A; minus strand). Cytogenetic location: 11q13.3.
Variant type: single nucleotide variant.
Coding change: c.1912G>A on transcript NM_001876.4 (MANE Select); coding-DNA position 1912, G replaced by A.
Protein change: p.Glu638Lys; replaces glutamic acid 638 with lysine.
Molecular consequence: missense variant.
Genome position (GRCh38, 1-based): chr11:68,761,651, C>T on the plus strand (G>A on the coding strand, the complement: CPT1A is on the minus strand). VCF-style: chr11-68761651-C-T. GRCh37 (hg19) VCF-style: chr11-68529119-C-T.
Other names: c.1912G>A, p.Glu638Lys (NM_001031847.3); short protein forms E638K.
Identifiers: ClinVar variation 1445595 (VCV001445595.8), dbSNP rs1854621732, ClinGen allele CA381626785.